The following is an entry in ClinVar:

NM_002524.5(NRAS):c.441G>T (p.Lys147Asn)

Gene: NRAS (NRAS proto-oncogene, GTPase; minus strand). Cytogenetic location: 1p13.2.
Variant type: single nucleotide variant.
Coding change: c.441G>T on transcript NM_002524.5 (MANE Select); coding-DNA position 441, G replaced by T.
Protein change: p.Lys147Asn; replaces lysine 147 with asparagine.
Molecular consequence: missense variant.
Genome position (GRCh38, 1-based): chr1:114,709,578, C>A on the plus strand (G>T on the coding strand, the complement: NRAS is on the minus strand). VCF-style: chr1-114709578-C-A. GRCh37 (hg19) VCF-style: chr1-115252199-C-A.
Other names: short protein forms K147N.
Identifiers: ClinVar variation 2000338 (VCV002000338.4), dbSNP rs2101738621, ClinGen allele CA341739050.

ClinVar aggregate classification (germline): Uncertain significance (1 of 4 stars; one submission).

Conditions:
RASopathy. Also called: rasopathies; Noonan spectrum disorder. Identifiers: Orphanet 536391, MedGen C5555857, MONDO:0021060.

Submission:

Labcorp Genetics (formerly Invitae), Labcorp
Classification: Uncertain significance for RASopathy. Last evaluated: 2022-11-29. Review status: criteria provided, single submitter. Criteria: Invitae Variant Classification Sherloc (09022015). Collection method: clinical testing. Allele origin: germline.
Comment: In summary, the available evidence is currently insufficient to determine the role of this variant in disease. Therefore, it has been classified as a Variant of Uncertain Significance. Advanced modeling of protein sequence and biophysical properties (such as structural, functional, and spatial information, amino acid conservation, physicochemical variation, residue mobility, and thermodynamic stability) performed at Invitae indicates that this missense variant is expected to disrupt NRAS protein function. This variant has not been reported in the literature in individuals affected with NRAS-related conditions. This variant is not present in population databases (gnomAD no frequency). This sequence change replaces lysine, which is basic and polar, with asparagine, which is neutral and polar, at codon 147 of the NRAS protein (p.Lys147Asn).